The following is an entry in ClinVar:

NM_000338.3(SLC12A1):c.1684+5G>A

Gene: SLC12A1 (solute carrier family 12 member 1; plus strand). Cytogenetic location: 15q21.1.
Variant type: single nucleotide variant.
Coding change: c.1684+5G>A on transcript NM_000338.3 (MANE Select); 5 bases into the intron after coding-DNA position 1684, G replaced by A.
Molecular consequence: intron variant.
Genome position (GRCh38, 1-based): chr15:48,247,465, G>A. VCF-style: chr15-48247465-G-A. GRCh37 (hg19) VCF-style: chr15-48539662-G-A.
Other names: c.1684+5G>A (NM_001384136.1, NM_001184832.2).
Identifiers: ClinVar variation 3011119 (VCV003011119.4), dbSNP rs2505087879, ClinGen allele CA2628317050.

ClinVar aggregate classification (germline): Uncertain significance. Review status: criteria provided, multiple submitters, no conflicts (2 of 4 stars). 2 submissions from 2 submitters: Uncertain significance (2). Last evaluated 2023-06-02.

Allele frequency attached by ClinVar (database versions not stated): gnomAD exomes below 0.00001.

Submissions (2):

Labcorp Genetics (formerly Invitae), Labcorp
Classification: Uncertain significance. Last evaluated: 2023-06-02. Review status: criteria provided, single submitter. Criteria: Invitae Variant Classification Sherloc (09022015). Collection method: clinical testing. Allele origin: germline.
Comment: In summary, the available evidence is currently insufficient to determine the role of this variant in disease. Therefore, it has been classified as a Variant of Uncertain Significance. This sequence change falls in intron 13 of the SLC12A1 gene. It does not directly change the encoded amino acid sequence of the SLC12A1 protein. It affects a nucleotide within the consensus splice site. This variant is not present in population databases (gnomAD no frequency). Variants that disrupt the consensus splice site are a relatively common cause of aberrant splicing (PMID: 17576681, 9536098). Algorithms developed to predict the effect of sequence changes on RNA splicing suggest that this variant may disrupt the consensus splice site. This variant has not been reported in the literature in individuals affected with SLC12A1-related conditions.

Blueprint Genetics
Classification: Uncertain significance. Last evaluated: 2020-02-06. Review status: criteria provided, single submitter. Criteria: ACMG Guidelines, 2015. Collection method: clinical testing. Allele origin: germline.

Literature cited by the submitters: PubMed 17576681 (cited by Labcorp Genetics (formerly Invitae), Labcorp); PubMed 9536098 (cited by Labcorp Genetics (formerly Invitae), Labcorp).